The following is an entry in ClinVar:

NM_018240.7(KIRREL1):c.115G>A (p.Val39Met)

Gene: KIRREL1 (kirre like nephrin family adhesion molecule 1; plus strand). Cytogenetic location: 1q23.1.
Variant type: single nucleotide variant.
Coding change: c.115G>A on transcript NM_018240.7 (MANE Select); coding-DNA position 115, G replaced by A.
Protein change: p.Val39Met; replaces valine 39 with methionine.
Molecular consequence: missense variant. On other transcripts: intron variant (1).
Genome position (GRCh38, 1-based): chr1:158,076,175, G>A. VCF-style: chr1-158076175-G-A. GRCh37 (hg19) VCF-style: chr1-158045965-G-A.
Other names: c.53-8247G>A (NM_001286349.2); short protein forms V39M.
Identifiers: ClinVar variation 1301750 (VCV001301750.6), dbSNP rs191487619, ClinGen allele CA1177311.

ClinVar aggregate classification (germline): Benign/Likely benign. Review status: criteria provided, multiple submitters, no conflicts (2 of 4 stars). 4 submissions from 4 submitters: Benign (2); Likely benign (1). 1 of the submissions does not count toward it. Last evaluated 2026-09-01.

Conditions:
KIRREL1-related disorder. Also called: KIRREL1-related condition.

Allele frequency attached by ClinVar (database versions not stated): 1000 Genomes Project 30x 0.00125; 1000 Genomes Project 0.00140; gnomAD exomes 0.00432; TOPMed 0.00434; ESP Exome Variant Server 0.00460; ExAC 0.00464; gnomAD 0.00505 and 0.00549.
gnomAD v4.1: 9,210 of 1,614,042 alleles (0.57%); highest among the groups gnomAD compares: Non-Finnish European, 0.68%; 42 homozygotes.

Submissions (4):

CeGaT Center for Human Genetics Tuebingen
Classification: Likely benign. Last evaluated: 2026-09-01. Review status: criteria provided, single submitter. Criteria: CeGaT Center For Human Genetics Tuebingen Variant Classification Criteria Version 2. Collection method: clinical testing. Allele origin: germline. Affected: yes. Observed: 1 variant allele.
Comment: KIRREL1: BS2

Dubai Health Genomic Medicine Center, Dubai Health
Classification: Benign. Last evaluated: 2020-03-26. Review status: criteria provided, single submitter. Criteria: ACMG Guidelines, 2015. Collection method: clinical testing. Allele origin: germline. Affected: yes.

Breakthrough Genomics
Classification: Benign. Review status: criteria provided, single submitter. Criteria: ACMG Guidelines, 2015. Collection method: not provided. Allele origin: germline. Inheritance: Autosomal recessive inheritance. Affected: yes.

PreventionGenetics, part of Exact Sciences
Classification: Benign for KIRREL1-related condition. Last evaluated: 2019-11-07. Review status: no assertion criteria provided. Collection method: clinical testing. Allele origin: germline. Not counted in ClinVar's aggregate classification.
Comment: This variant is classified as benign based on ACMG/AMP sequence variant interpretation guidelines (Richards et al. 2015 PMID: 25741868, with internal and published modifications).